The following is an entry in ClinVar:

ClinVar aggregate classification (germline): Pathogenic (1 of 4 stars; one submission).

Conditions:
Propionic acidemia (PROP). Also called: GLYCINEMIA, KETOTIC; HYPERGLYCINEMIA WITH KETOACIDOSIS AND LEUKOPENIA; KETOTIC HYPERGLYCINEMIA. Identifiers: Orphanet 35, MedGen C0268579, MONDO:0011628, OMIM 606054, HP:0003571.

Submission:

Myriad Genetics, Inc.
Classification: Pathogenic for Propionic acidemia. Last evaluated: 2023-10-17. Review status: criteria provided, single submitter. Criteria: Myriad Autosomal Dominant, Autosomal Recessive and X-Linked Classification Criteria (2023). Collection method: clinical testing. Allele origin: unknown.
Comment: NM_000532.4(PCCB):c.1109C>A(S370*) is expected to be pathogenic in the context of PCCB-related propionic acidemia. This variant is predicted to lead to an abnormal or absent protein product due to the creation of a premature termination codon in PCCB, a gene where loss-of-function variants are known to be pathogenic. Please note: this variant was assessed in the context of healthy population screening.

NM_000532.5(PCCB):c.1109C>A (p.Ser370Ter)

Gene: PCCB (propionyl-CoA carboxylase subunit beta; plus strand). Cytogenetic location: 3q22.3.
Variant type: single nucleotide variant.
Coding change: c.1109C>A on transcript NM_000532.5 (MANE Select); coding-DNA position 1109, C replaced by A.
Protein change: p.Ser370Ter; replaces serine 370 with a stop codon.
Molecular consequence: nonsense.
Genome position (GRCh38, 1-based): chr3:136,326,821, C>A. VCF-style: chr3-136326821-C-A. GRCh37 (hg19) VCF-style: chr3-136045663-C-A.
Other names: c.1169C>A, p.Ser390Ter (NM_001178014.2); short protein forms S370*, S390*.
Identifiers: ClinVar variation 5012404 (VCV005012404.1).
Genomic context (GRCh38, chr3:136,326,821, plus strand): 5'-AATTGCCTGGATACTCAGTATGGATAATCTCTCTCTTTCTAGGATGCTTGGATATTAATT[C>A]ATCTGTGAAAGGGGCTCGTTTTGTCAGATTCTGTGATGCATTCAATATTCCACTCATCAC-3'